The following is an entry in ClinVar:

NM_000059.4(BRCA2):c.478G>C (p.Val160Leu)

Gene: BRCA2 (BRCA2 DNA repair associated; plus strand). Cytogenetic location: 13q13.1.
Variant type: single nucleotide variant.
Coding change: c.478G>C on transcript NM_000059.4 (MANE Select); coding-DNA position 478, G replaced by C.
Protein change: p.Val160Leu; replaces valine 160 with leucine.
Molecular consequence: missense variant.
Genome position (GRCh38, 1-based): chr13:32,326,244, G>C. VCF-style: chr13-32326244-G-C. GRCh37 (hg19) VCF-style: chr13-32900381-G-C.
Other names: short protein forms V160L.
Identifiers: ClinVar variation 825171 (VCV000825171.5), dbSNP rs147022828, ClinGen allele CA387757612.
Genomic context (GRCh38, chr13:32,326,244, plus strand): 5'-ATACTAGAAATGTTAATAAAAATAAAACTTAACAATTTTCCCCTTTTTTTACCCCCAGTG[G>C]TATGTGGGAGTTTGTTTCATACACCAAAGTTTGTGAAGGTAAATATTCTACCTGGTTTAT-3'
Protein context (NP_000050.3, residues 150-170): HVTPQRDKSV[Val160Leu]CGSLFHTPKF

ClinVar aggregate classification (germline): Uncertain significance. Review status: criteria provided, multiple submitters, no conflicts (2 of 4 stars). 2 submissions from 2 submitters: Uncertain significance (2). Last evaluated 2025-09-13.

Conditions:
Hereditary breast ovarian cancer syndrome. Also called: Hereditary breast and ovarian cancer syndrome; Hereditary breast and ovarian cancer; Hereditary breast and ovarian cancer syndrome (HBOC); Breast and ovarian cancer; Hereditary breast and/or ovarian cancer syndrome; BRCA1- and BRCA2-Associated Hereditary Breast and Ovarian Cancer. Identifiers: Orphanet 145, MedGen C0677776, MeSH D061325, MONDO:0003582. Disease mechanism: loss of function.
Hereditary cancer-predisposing syndrome. Also called: Neoplastic Syndromes, Hereditary; Tumor predisposition; Hereditary neoplastic syndrome; Hereditary Cancer Syndrome. Identifiers: Orphanet 140162, MedGen C0027672, MeSH D009386, MONDO:0015356.

Submissions (2):

Labcorp Genetics (formerly Invitae), Labcorp
Classification: Uncertain significance for Hereditary breast ovarian cancer syndrome. Last evaluated: 2025-09-13. Review status: criteria provided, single submitter. Criteria: Invitae Variant Classification Sherloc (09022015). Collection method: clinical testing. Allele origin: germline.
Comment: This sequence change replaces valine, which is neutral and non-polar, with leucine, which is neutral and non-polar, at codon 160 of the BRCA2 protein (p.Val160Leu). This variant is not present in population databases (gnomAD no frequency). This variant has not been reported in the literature in individuals affected with BRCA2-related conditions. ClinVar contains an entry for this variant (Variation ID: 825171). An algorithm developed to predict the effect of missense changes on protein structure and function outputs the following: PolyPhen-2: "Benign". The leucine amino acid residue is found in multiple mammalian species, which suggests that this missense change does not adversely affect protein function. In summary, the available evidence is currently insufficient to determine the role of this variant in disease. Therefore, it has been classified as a Variant of Uncertain Significance.

Ambry Genetics
Classification: Uncertain significance for Hereditary cancer-predisposing syndrome. Last evaluated: 2019-08-05. Review status: criteria provided, single submitter. Criteria: Ambry Variant Classification Scheme 2023. Collection method: clinical testing. Allele origin: germline.
Comment: The p.V160L variant (also known as c.478G>C), located in coding exon 5 of the BRCA2 gene, results from a G to C substitution at nucleotide position 478. The valine at codon 160 is replaced by leucine, an amino acid with highly similar properties. This amino acid position is not well conserved in available vertebrate species. In addition, this alteration is predicted to be tolerated by in silico analysis. Since supporting evidence is limited at this time, the clinical significance of this alteration remains unclear.